The following is an entry in ClinVar:

NM_000520.6(HEXA):c.10T>C (p.Ser4Pro)

Gene: HEXA (hexosaminidase subunit alpha; minus strand). Cytogenetic location: 15q23.
Variant type: single nucleotide variant.
Coding change: c.10T>C on transcript NM_000520.6 (MANE Select); coding-DNA position 10, T replaced by C.
Protein change: p.Ser4Pro; replaces serine 4 with proline.
Molecular consequence: missense variant. On other transcripts: non-coding transcript variant (1).
Genome position (GRCh38, 1-based): chr15:72,375,963, A>G on the plus strand (T>C on the coding strand, the complement: HEXA is on the minus strand). VCF-style: chr15-72375963-A-G. GRCh37 (hg19) VCF-style: chr15-72668304-A-G.
Other names: c.10T>C (NM_000520.5); c.10T>C, p.Ser4Pro (NM_001318825.2); short protein forms S4P.
Identifiers: ClinVar variation 554702 (VCV000554702.16), dbSNP rs146938346, ClinGen allele CA7645131.

ClinVar aggregate classification (germline): Uncertain significance. Review status: criteria provided, multiple submitters, no conflicts (2 of 4 stars). 8 submissions from 8 submitters: Uncertain significance (6). 2 of the submissions do not count toward it. Last evaluated 2024-08-14.

Conditions:
Tay-Sachs disease (TSD). Also called: HEXA Disorders; HEXA DEFICIENCY; Hexosaminidase A Deficiency; GM2 gangliosidosis, type 1; Hexosaminidase alpha-subunit deficiency (variant B); Sphingolipidosis, Tay-Sachs. Identifiers: Orphanet 845, MedGen C0039373, MONDO:0010100, OMIM 272800.

Allele frequency attached by ClinVar (database versions not stated): TOPMed 0.00009; gnomAD 0.00010 and 0.00011; ExAC 0.00013; gnomAD exomes 0.00014 and 0.00023; ESP Exome Variant Server 0.00023.
gnomAD v4.1: 349 of 1,613,146 alleles (0.022%); highest among the groups gnomAD compares: Non-Finnish European, 0.028%; no homozygotes.

Submissions (8):

Women's Health and Genetics/Laboratory Corporation of America, LabCorp
Classification: Uncertain significance. Last evaluated: 2024-08-14. Review status: criteria provided, single submitter. Criteria: LabCorp Variant Classification Summary - May 2015. Collection method: clinical testing. Allele origin: germline.
Comment: Variant summary: HEXA c.10T>C (p.Ser4Pro) results in a non-conservative amino acid change in the encoded protein sequence. Three of five in-silico tools predict a benign effect of the variant on protein function. The variant allele was found at a frequency of 0.00014 in 250380 control chromosomes. This frequency is not significantly higher than estimated for a pathogenic variant in HEXA causing Tay-Sachs Disease (0.00014 vs 0.0014), allowing no conclusion about variant significance. c.10T>C has been reported in the literature in cis with a likely causative variant (opposite allele pathogenic) in at least 1 individual affected with Tay-Sachs Disease, however c.10T>C is unlikely to have contributed to disease in this proband (example, Wicklow_2004). These report(s) do not provide unequivocal conclusions about association of the variant with Tay-Sachs Disease. At least one publication reports experimental evidence evaluating an impact on protein function. The most pronounced variant effect results in >50%-90% of normal activity. The following publications has been ascertained in the context of this evaluation (PMID: 15108204). ClinVar contains an entry for this variant (Variation ID: 554702). Based on the evidence outlined above, the variant was classified as uncertain significance.

GeneDx
Classification: Uncertain significance. Last evaluated: 2024-05-02. Review status: criteria provided, single submitter. Criteria: GeneDx Variant Classification Process June 2021. Collection method: clinical testing. Allele origin: germline. Affected: yes.
Comment: In silico analysis indicates that this missense variant does not alter protein structure/function; This variant is associated with the following publications: (PMID: 15108204, 20363167, 35936646)

ARUP Laboratories, Molecular Genetics and Genomics, ARUP Laboratories
Classification: Uncertain significance. Last evaluated: 2023-12-21. Review status: criteria provided, single submitter. Criteria: ARUP Molecular Germline Variant Investigation Process 2024. Collection method: clinical testing. Allele origin: germline.
Comment: The HEXA c.10T>C; p.Ser4Pro variant (rs146938346) is reported in the literature in an individual affected with GM2-gangliosidosis; however, this variant was found on the same chromosomes as a silent variant responsible for aberrant splicing (Wicklow 2004). This variant is also reported in ClinVar (Variation ID: 554702). This variant is found in the non-Finnish European population with an allele frequency of 0.03% (37/128,418 alleles) in the Genome Aggregation Database (v2.1.1). Computational analyses are uncertain whether this variant is neutral or deleterious (REVEL: 0.563). Due to limited information, the clinical significance of this variant is uncertain at this time. References: Wicklow BA et al. Severe subacute GM2 gangliosidosis caused by an apparently silent HEXA mutation (V324V) that results in aberrant splicing and reduced HEXA mRNA. Am J Med Genet A. 2004 Jun 1;127A(2):158-66. PMID: 15108204.

Labcorp Genetics (formerly Invitae), Labcorp
Classification: Uncertain significance for Tay-Sachs disease. Last evaluated: 2022-08-11. Review status: criteria provided, single submitter. Criteria: Invitae Variant Classification Sherloc (09022015). Collection method: clinical testing. Allele origin: germline.
Comment: This sequence change replaces serine, which is neutral and polar, with proline, which is neutral and non-polar, at codon 4 of the HEXA protein (p.Ser4Pro). This variant is present in population databases (rs146938346, gnomAD 0.03%). This missense change has been observed in individual(s) with hexosaminidase A deficiency (PMID: 15108204). ClinVar contains an entry for this variant (Variation ID: 554702). Algorithms developed to predict the effect of missense changes on protein structure and function are either unavailable or do not agree on the potential impact of this missense change (SIFT: "Tolerated"; PolyPhen-2: "Not Available"; Align-GVGD: "Class C0"). Experimental studies have shown that this missense change affects HEXA function (PMID: 15108204, 20363167). In summary, the available evidence is currently insufficient to determine the role of this variant in disease. Therefore, it has been classified as a Variant of Uncertain Significance.

Fulgent Genetics
Classification: Uncertain significance for Tay-Sachs disease. Last evaluated: 2022-04-27. Review status: criteria provided, single submitter. Criteria: ACMG Guidelines, 2015. Collection method: clinical testing. Allele origin: unknown.

MGZ Medical Genetics Center
Classification: Uncertain significance for Tay-Sachs disease. Last evaluated: 2022-02-09. Review status: criteria provided, single submitter. Criteria: ACMG Guidelines, 2015. Collection method: clinical testing. Allele origin: germline. Affected: yes. Observed: 1 variant allele.
Comment: ACMG criteria applied: PS3_SUP, PS4_SUP, PM2_SUP, PP3

Natera, Inc.
Classification: Uncertain significance for Tay-Sachs disease. Last evaluated: 2019-07-31. Review status: no assertion criteria provided. Collection method: clinical testing. Allele origin: germline. Not counted in ClinVar's aggregate classification.

Counsyl
Classification: Uncertain significance for Tay-Sachs disease. Last evaluated: 2017-11-14. Review status: no assertion criteria provided. Collection method: clinical testing. Allele origin: unknown. Not counted in ClinVar's aggregate classification.

Literature cited by the submitters: PubMed 20363167 (cited by Women's Health and Genetics/Laboratory Corporation of America, LabCorp and Labcorp Genetics (formerly Invitae), Labcorp); PubMed 15108204 (cited by 3 submitters).